The following is an entry in ClinVar:

ClinVar aggregate classification (germline): Uncertain significance (1 of 4 stars; one submission).

Allele frequency attached by ClinVar (database versions not stated): gnomAD exomes 0.00001; gnomAD 0.00002; TOPMed 0.00002.
gnomAD v4.1: 10 of 1,612,854 alleles (0.00062%); highest among the groups gnomAD compares: African/African-American, 0.0093%; no homozygotes.

Submission:

GeneDx
Classification: Uncertain significance. Last evaluated: 2019-06-25. Review status: criteria provided, single submitter. Criteria: GeneDx Variant Classification Process June 2021. Collection method: clinical testing. Allele origin: germline. Affected: yes.
Comment: In silico analysis, which includes splice predictors and evolutionary conservation, supports a deleterious effect

NM_002253.4(KDR):c.2971+3A>G

Gene: KDR (kinase insert domain receptor; minus strand). Cytogenetic location: 4q12.
Variant type: single nucleotide variant.
Coding change: c.2971+3A>G on transcript NM_002253.4 (MANE Select); 3 bases into the intron after coding-DNA position 2971, A replaced by G.
Molecular consequence: intron variant.
Genome position (GRCh38, 1-based): chr4:55,094,799, T>C on the plus strand (A>G on the coding strand, the complement: KDR is on the minus strand). VCF-style: chr4-55094799-T-C. GRCh37 (hg19) VCF-style: chr4-55960966-T-C.
Identifiers: ClinVar variation 423599 (VCV000423599.3), dbSNP rs1037612393, ClinGen allele CA16618047.
Genomic context (GRCh38, chr4:55,094,799, plus strand): 5'-CCCTATCACCCTGTCTGCTCTGACAAGAGCATGCCATAGCATGCAGGAAGCACTAGCCAG[T>C]ACCTTCCTCTTCTTCTACATCACTGAGGGACTTCTCCTCCACAAATCCAGAGCTGGCTGA-3'